The following is an entry in ClinVar:

ClinVar aggregate classification (germline): Uncertain significance (1 of 4 stars; one submission).

Conditions:
FLT4-related disorder. Also called: FLT4-related condition.

Submission:

PreventionGenetics, part of Exact Sciences
Classification: Uncertain significance for FLT4-related condition. Last evaluated: 2022-09-02. Review status: criteria provided, single submitter. Criteria: ACMG Guidelines, 2015. Collection method: clinical testing. Allele origin: germline.
Comment: The FLT4 c.400G>A variant is predicted to result in the amino acid substitution p.Asp134Asn. This variant is located at the last nucleotide of the exon and is predicted to weaken the canonical splice site (Alamut Visual v2.11). To our knowledge, this variant has not been reported in the literature or in a large population database, indicating this variant is rare. At this time, the clinical significance of this variant is uncertain due to the absence of conclusive functional and genetic evidence.

NM_182925.5(FLT4):c.400G>A (p.Asp134Asn)

Gene: FLT4 (fms related receptor tyrosine kinase 4; minus strand). Cytogenetic location: 5q35.3.
Variant type: single nucleotide variant.
Coding change: c.400G>A on transcript NM_182925.5 (MANE Select); coding-DNA position 400, G replaced by A.
Protein change: p.Asp134Asn; replaces aspartic acid 134 with asparagine.
Molecular consequence: missense variant.
Genome position (GRCh38, 1-based): chr5:180,630,555, C>T on the plus strand (G>A on the coding strand, the complement: FLT4 is on the minus strand). VCF-style: chr5-180630555-C-T. GRCh37 (hg19) VCF-style: chr5-180057555-C-T.
Other names: c.400G>A, p.Asp134Asn (NM_001354989.2, NM_002020.5); short protein forms D134N.
Identifiers: ClinVar variation 2636540 (VCV002636540.1), dbSNP rs1373068555, ClinGen allele CA362506723.
Genomic context (GRCh38, chr5:180,630,555, plus strand): 5'-GCGGTGTGGGCCCCAGCTGCCCGGGACCCTGCTCCAGCCTGGCCCGCCTCCAAGTCTCAC[C>T]TCTCACGAACACGTAGGAGCTGGCGGCCGTGGTGCCCTCGATGCGTGCCTTGATGTACTT-3'
Protein context (NP_891555.2, residues 124-144): TAASSYVFVR[Asp134Asn]FEQPFINKPD